The following is an entry in ClinVar:

NM_007255.3(B4GALT7):c.926del (p.Val309fs)

Gene: B4GALT7 (beta-1,4-galactosyltransferase 7; plus strand). Cytogenetic location: 5q35.3.
Variant type: Deletion.
Coding change: c.926del on transcript NM_007255.3 (MANE Select); coding-DNA position 926, one base deleted (T; older notation c.926delT).
Protein change: p.Val309fs; shifts the reading frame from valine 309.
Molecular consequence: frameshift variant.
Genome position (GRCh38, 1-based): chr5:177,609,637, T deleted. VCF-style (leftmost placement, unchanged base first): chr5-177609636-GT-G. GRCh37 (hg19) VCF-style: chr5-177036637-GT-G.
Other names: short protein forms V309fs.
Identifiers: ClinVar variation 2062967 (VCV002062967.4), dbSNP rs2532543352, ClinGen allele CA2580074079.

ClinVar aggregate classification (germline): Uncertain significance (1 of 4 stars; one submission).

Conditions:
Spondylodysplastic Ehlers-Danlos syndrome. Identifiers: Orphanet 536471, Orphanet 75496, MedGen C5680154, MONDO:0007526.

Submission:

Labcorp Genetics (formerly Invitae), Labcorp
Classification: Uncertain significance for Spondylodysplastic Ehlers-Danlos syndrome. Last evaluated: 2022-07-25. Review status: criteria provided, single submitter. Criteria: Invitae Variant Classification Sherloc (09022015). Collection method: clinical testing. Allele origin: germline.
Comment: In summary, the available evidence is currently insufficient to determine the role of this variant in disease. Therefore, it has been classified as a Variant of Uncertain Significance. Experimental studies and prediction algorithms are not available or were not evaluated, and the functional significance of this variant is currently unknown. This variant has not been reported in the literature in individuals affected with B4GALT7-related conditions. This variant is not present in population databases (gnomAD no frequency). This sequence change results in a frameshift in the B4GALT7 gene (p.Val309Alafs*25). While this is not anticipated to result in nonsense mediated decay, it is expected to disrupt the last 19 amino acid(s) of the B4GALT7 protein and extend the protein by 5 additional amino acid residues.